The following is an entry in ClinVar:

ClinVar aggregate classification (germline): Uncertain significance (1 of 4 stars; one submission).

Submission:

Athena Diagnostics
Classification: Uncertain significance. Last evaluated: 2025-05-13. Review status: criteria provided, single submitter. Criteria: Athena Diagnostics Criteria. Collection method: clinical testing. Allele origin: unknown.
Comment: Available data are insufficient to determine the clinical significance of the variant at this time. This variant has not been reported in large, multi-ethnic general populations. Computational tools yielded predictions that this variant is unlikely to have an effect on normal RNA splicing.

NM_002739.5(PRKCG):c.1632G>C (p.Leu544=)

Gene: PRKCG (protein kinase C gamma; plus strand). Cytogenetic location: 19q13.42.
Variant type: single nucleotide variant.
Coding change: c.1632G>C on transcript NM_002739.5 (MANE Select); coding-DNA position 1632, G replaced by C.
Protein change: p.Leu544=; no amino-acid change (leucine 544 retained).
Molecular consequence: synonymous variant.
Genome position (GRCh38, 1-based): chr19:53,903,129, G>C. VCF-style: chr19-53903129-G-C. GRCh37 (hg19) VCF-style: chr19-54406383-G-C.
Other names: c.1632G>C, p.Leu544= (NM_001316329.2).
Identifiers: ClinVar variation 4682324 (VCV004682324.1).